The following is an entry in ClinVar:

ClinVar aggregate classification (germline): Uncertain significance. Review status: criteria provided, multiple submitters, no conflicts (2 of 4 stars). 2 submissions from 2 submitters: Uncertain significance (2). Last evaluated 2025-05-08.

Allele frequency attached by ClinVar (database versions not stated): gnomAD exomes below 0.00001; ExAC 0.00001; gnomAD 0.00001; TOPMed 0.00003.
gnomAD v4.1: 2 of 1,613,778 alleles (0.00012%); highest among the groups gnomAD compares: African/African-American, 0.0027%; no homozygotes.

Submissions (2):

Ambry Genetics
Classification: Uncertain significance. Last evaluated: 2025-05-08. Review status: criteria provided, single submitter. Criteria: Ambry Variant Classification Scheme 2023. Collection method: clinical testing. Allele origin: germline.
Comment: The p.K114Q variant (also known as c.340A>C), located in coding exon 4 of the RINT1 gene, results from an A to C substitution at nucleotide position 340. The lysine at codon 114 is replaced by glutamine, an amino acid with similar properties. This amino acid position is well conserved in available vertebrate species. In addition, this alteration is predicted to be tolerated by in silico analysis. Since supporting evidence is limited at this time, the clinical significance of this alteration remains unclear.

Labcorp Genetics (formerly Invitae), Labcorp
Classification: Uncertain significance. Last evaluated: 2022-09-09. Review status: criteria provided, single submitter. Criteria: Invitae Variant Classification Sherloc (09022015). Collection method: clinical testing. Allele origin: germline.
Comment: In summary, the available evidence is currently insufficient to determine the role of this variant in disease. Therefore, it has been classified as a Variant of Uncertain Significance. Algorithms developed to predict the effect of missense changes on protein structure and function (SIFT, PolyPhen-2, Align-GVGD) all suggest that this variant is likely to be tolerated. This variant has not been reported in the literature in individuals affected with RINT1-related conditions. This variant is present in population databases (rs751130201, gnomAD 0.01%). This sequence change replaces lysine, which is basic and polar, with glutamine, which is neutral and polar, at codon 114 of the RINT1 protein (p.Lys114Gln).

NM_021930.6(RINT1):c.340A>C (p.Lys114Gln)

Gene: RINT1 (RAD50 interactor 1; plus strand). Cytogenetic location: 7q22.3.
Variant type: single nucleotide variant.
Coding change: c.340A>C on transcript NM_021930.6 (MANE Select); coding-DNA position 340, A replaced by C.
Protein change: p.Lys114Gln; replaces lysine 114 with glutamine.
Molecular consequence: missense variant. On other transcripts: 5 prime UTR variant (3), non-coding transcript variant (1).
Genome position (GRCh38, 1-based): chr7:105,542,474, A>C. VCF-style: chr7-105542474-A-C. GRCh37 (hg19) VCF-style: chr7-105182921-A-C.
Other names: c.106A>C, p.Lys36Gln (NM_001346599.2); c.-680A>C (NM_001346600.2); c.-583A>C (NM_001346601.2); c.-203A>C (NM_001346603.2); short protein forms K36Q, K114Q.
Identifiers: ClinVar variation 1731151 (VCV001731151.9), dbSNP rs751130201, ClinGen allele CA4426406.